The following is an entry in ClinVar:

NM_001035.3(RYR2):c.11G>C (p.Gly4Ala)

Gene: RYR2 (ryanodine receptor 2; plus strand). Cytogenetic location: 1q43.
Variant type: single nucleotide variant.
Coding change: c.11G>C on transcript NM_001035.3 (MANE Select); coding-DNA position 11, G replaced by C.
Protein change: p.Gly4Ala; replaces glycine 4 with alanine.
Molecular consequence: missense variant.
Genome position (GRCh38, 1-based): chr1:237,042,532, G>C. VCF-style: chr1-237042532-G-C. GRCh37 (hg19) VCF-style: chr1-237205832-G-C.
Other names: c.11G>C, p.Gly4Ala (LRG_402t1); short protein forms G4A.
Identifiers: ClinVar variation 463550 (VCV000463550.13), dbSNP rs866878858, ClinGen allele CA345654160.

ClinVar aggregate classification (germline): Conflicting classifications of pathogenicity. Review status: criteria provided, conflicting classifications (1 of 4 stars). 3 submissions from 3 submitters: Uncertain significance (2); Likely benign (1). Last evaluated 2025-08-30.

Conditions:
Catecholaminergic polymorphic ventricular tachycardia (CVPT). Also called: Catecholamine-induced polymorphic ventricular tachycardia. Identifiers: Orphanet 3286, MedGen C5574922, MONDO:0017990.
Cardiomyopathy (CMYO). Also called: Cardiomyopathies. Identifiers: Orphanet 167848, MedGen C0878544, MONDO:0004994, HP:0001638. Inheritance: Various modes of inheritance.
Catecholaminergic polymorphic ventricular tachycardia 1. Also called: VENTRICULAR TACHYCARDIA, STRESS-INDUCED POLYMORPHIC 1; VENTRICULAR TACHYCARDIA, CATECHOLAMINERGIC POLYMORPHIC, 1, WITH OR WITHOUT ATRIAL DYSFUNCTION AND/OR DILATED CARDIOMYOPATHY; RYR2-Related Catecholaminergic Polymorphic Ventricular Tachycardia. Identifiers: Orphanet 3286, MedGen C1631597, MONDO:0011484, OMIM 604772.

Allele frequency attached by ClinVar (database versions not stated): TOPMed below 0.00001; gnomAD exomes 0.00002 and 0.00003.
gnomAD v4.1: 23 of 1,257,966 alleles (0.0018%); highest among the groups gnomAD compares: Non-Finnish European, 0.0022%; no homozygotes.

Submissions (3):

Labcorp Genetics (formerly Invitae), Labcorp
Classification: Likely benign for Catecholaminergic polymorphic ventricular tachycardia 1. Last evaluated: 2025-08-30. Review status: criteria provided, single submitter. Criteria: Invitae Variant Classification Sherloc (09022015). Collection method: clinical testing. Allele origin: germline.

All of Us Research Program, National Institutes of Health
Classification: Uncertain significance for Catecholaminergic polymorphic ventricular tachycardia. Last evaluated: 2024-07-20. Review status: criteria provided, single submitter. Criteria: ACMG Guidelines, 2015. Collection method: clinical testing. Allele origin: germline. Inheritance: Autosomal dominant inheritance. Observed: 6 variant alleles, 6 heterozygotes.
Comment: This missense variant replaces glycine with alanine at codon 4 of the RYR2 protein. Computational prediction suggests that this variant may not impact protein structure and function (internally defined REVEL score threshold <= 0.5, PMID: 27666373). To our knowledge, functional studies have not been reported for this variant. This variant has not been reported in individuals affected with cardiovascular disorders in the literature. This variant has been identified in 2/66946 chromosomes in the general population by the Genome Aggregation Database (gnomAD). The available evidence is insufficient to determine the role of this variant in disease conclusively. Therefore, this variant is classified as a Variant of Uncertain Significance.

This study involves interpretation of variants in research participants for the purpose of population health screening. Participant phenotype was not available at the time of variant classification. Additional details can be found in publication PMID: 35346344, PMCID: PMC8962531

Color Diagnostics, LLC DBA Color Health
Classification: Uncertain significance for Cardiomyopathy. Last evaluated: 2024-03-06. Review status: criteria provided, single submitter. Criteria: ACMG Guidelines, 2015. Collection method: clinical testing. Allele origin: germline.
Comment: This missense variant replaces glycine with alanine at codon 4 of the RYR2 protein. Computational prediction suggests that this variant may not impact protein structure and function (internally defined REVEL score threshold <= 0.5, PMID: 27666373). To our knowledge, functional studies have not been reported for this variant. This variant has not been reported in individuals affected with cardiovascular disorders in the literature. This variant has been identified in 2/66946 chromosomes in the general population by the Genome Aggregation Database (gnomAD). The available evidence is insufficient to determine the role of this variant in disease conclusively. Therefore, this variant is classified as a Variant of Uncertain Significance.